The following is an entry in ClinVar:

NM_001368397.1(FRMPD4):c.2420T>C (p.Ile807Thr)

Gene: FRMPD4 (FERM and PDZ domain containing 4; plus strand). Cytogenetic location: Xp22.2.
Variant type: single nucleotide variant.
Coding change: c.2420T>C on transcript NM_001368397.1 (MANE Select); coding-DNA position 2420, T replaced by C.
Protein change: p.Ile807Thr; replaces isoleucine 807 with threonine.
Molecular consequence: missense variant.
Genome position (GRCh38, 1-based): chrX:12,716,879, T>C. VCF-style: chrX-12716879-T-C. GRCh37 (hg19) VCF-style: chrX-12734998-T-C.
Other names: c.2531T>C, p.Ile844Thr (NM_001368395.3, NM_001368398.3); c.2426T>C, p.Ile809Thr (NM_001368396.3); c.2411T>C, p.Ile804Thr (NM_001368399.3); c.2300T>C, p.Ile767Thr (NM_001368400.3); c.2396T>C, p.Ile799Thr (NM_001368401.1, NM_001368402.3); c.2420T>C, p.Ile807Thr (NM_014728.3); short protein forms I767T, I804T, I807T, I844T, I799T, I809T.
Identifiers: ClinVar variation 3393584 (VCV003393584.1).

ClinVar aggregate classification (germline): Uncertain significance (1 of 4 stars; one submission).

Submission:

GeneDx
Classification: Uncertain significance. Last evaluated: 2024-06-21. Review status: criteria provided, single submitter. Criteria: GeneDx Variant Classification Process June 2021. Collection method: clinical testing. Allele origin: germline. Affected: yes.
Comment: Not observed at significant frequency in large population cohorts (gnomAD); In silico analysis supports that this missense variant has a deleterious effect on protein structure/function; Has not been previously published as pathogenic or benign to our knowledge